The following is an entry in ClinVar:

NM_001009944.3(PKD1):c.7106A>C (p.Glu2369Ala)

Gene: PKD1 (polycystin 1, transient receptor potential channel interacting; minus strand). Cytogenetic location: 16p13.3.
Variant type: single nucleotide variant.
Coding change: c.7106A>C on transcript NM_001009944.3 (MANE Select); coding-DNA position 7106, A replaced by C.
Protein change: p.Glu2369Ala; replaces glutamic acid 2369 with alanine.
Molecular consequence: missense variant.
Genome position (GRCh38, 1-based): chr16:2,106,908, T>G on the plus strand (A>C on the coding strand, the complement: PKD1 is on the minus strand). VCF-style: chr16-2106908-T-G. GRCh37 (hg19) VCF-style: chr16-2156909-T-G.
Other names: c.7106A>C, p.Glu2369Ala (NM_000296.4); short protein forms E2369A.
Identifiers: ClinVar variation 5005529 (VCV005005529.2).

ClinVar aggregate classification (germline): Uncertain significance (1 of 4 stars; one submission).

Conditions:
Polycystic kidney disease, adult type (PKD1). Also called: POLYCYSTIC KIDNEY DISEASE, ADULT, TYPE I; Polycystic Kidney, Autosomal Dominant; Polycystic Kidney Disease 1, Autosomal Dominant; Polycystic kidney disease 1; Polycystic kidney disease 1, severe; POLYCYSTIC KIDNEY DISEASE 1 WITH OR WITHOUT POLYCYSTIC LIVER DISEASE. Identifiers: MedGen C3149841, MONDO:0008263, OMIM 173900.

Submission:

Juno Genomics, Hangzhou Juno Genomics, Inc
Classification: Uncertain significance for Polycystic kidney disease, adult type. Review status: criteria provided, single submitter. Criteria: ACMG Guidelines, 2015. Collection method: clinical testing. Allele origin: germline.
Comment: Absent from controls (or at extremely low frequency if recessive) in Genome Aggregation Database.;Multiple lines of computational evidence support a deleterious effect on the gene or gene product.